The following is an entry in ClinVar:

ClinVar aggregate classification (germline): Uncertain significance (1 of 4 stars; one submission).

Submission:

Ambry Genetics
Classification: Uncertain significance. Last evaluated: 2021-09-26. Review status: criteria provided, single submitter. Criteria: Ambry Variant Classification Scheme 2023. Collection method: clinical testing. Allele origin: germline.
Comment: The p.A1086S variant (also known as c.3256G>T), located in coding exon 18 of the PALLD gene, results from a G to T substitution at nucleotide position 3256. The alanine at codon 1086 is replaced by serine, an amino acid with similar properties. This amino acid position is conserved. In addition, this alteration is predicted to be deleterious by in silico analysis. Since supporting evidence is limited at this time, the clinical significance of this alteration remains unclear.

NM_001166108.2(PALLD):c.3307G>T (p.Ala1103Ser)

Genes: CBR4 (carbonyl reductase 4; minus strand), PALLD (palladin, cytoskeletal associated protein; plus strand). Cytogenetic location: 4q32.3.
Variant type: single nucleotide variant.
Coding change: c.3307G>T on transcript NM_001166108.2 (MANE Select); coding-DNA position 3307, G replaced by T.
Protein change: p.Ala1103Ser; replaces alanine 1103 with serine.
Molecular consequence: missense variant.
Genome position (GRCh38, 1-based): chr4:168,925,027, G>T. VCF-style: chr4-168925027-G-T. GRCh37 (hg19) VCF-style: chr4-169846178-G-T.
Other names: c.2110G>T, p.Ala704Ser (NM_001166109.2); c.1795G>T, p.Ala599Ser (NM_001166110.2); c.1135G>T, p.Ala379Ser (NM_001367567.1, NM_001367569.1); c.1186G>T, p.Ala396Ser (NM_001367568.1, NM_001367570.1); c.3256G>T, p.Ala1086Ser (NM_016081.4); short protein forms A379S, A1086S, A1103S, A396S, A704S, A599S.
Identifiers: ClinVar variation 1729467 (VCV001729467.2), dbSNP rs2534268650, ClinGen allele CA358714049.